The following is an entry in ClinVar:

NM_004064.5(CDKN1B):c.-126C>T

Gene: CDKN1B (cyclin dependent kinase inhibitor 1B; plus strand). Cytogenetic location: 12p13.1.
Variant type: single nucleotide variant.
Coding change: c.-126C>T on transcript NM_004064.5 (MANE Select); 126 bases upstream of the start codon, C replaced by T.
Molecular consequence: 5 prime UTR variant.
Genome position (GRCh38, 1-based): chr12:12,717,714, C>T. VCF-style: chr12-12717714-C-T. GRCh37 (hg19) VCF-style: chr12-12870648-C-T.
Identifiers: ClinVar variation 307657 (VCV000307657.6), dbSNP rs549943001, ClinGen allele CA10641334.
Genomic context (GRCh38, chr12:12,717,714, plus strand): 5'-GCTTCCCCGCAGCCCCTGCGCGCTCCTAGAGCTCGGGCCGTGGCTCGTCGGGGTCTGTGT[C>T]TTTTGGCTCCGAGGGCAGTCGCTGGGCTTCCGAGAGGGGTTCGGGCTGCGTAGGGGCGCT-3'

ClinVar aggregate classification (germline): Benign. Review status: criteria provided, multiple submitters, no conflicts (2 of 4 stars). 2 submissions from 2 submitters: Benign (2). Last evaluated 2021-12-23.

Conditions:
Multiple endocrine neoplasia type 4. Also called: MULTIPLE ENDOCRINE NEOPLASIA, TYPE IV. Identifiers: Orphanet 276152, MedGen C1970712, MONDO:0012552, OMIM 610755.

Allele frequency attached by ClinVar (database versions not stated): 1000 Genomes Project 30x 0.00047; 1000 Genomes Project 0.00060; TOPMed 0.00086; gnomAD 0.00109 and 0.00118.
gnomAD v4.1: 2,534 of 1,559,008 alleles (0.16%); highest among the groups gnomAD compares: Non-Finnish European, 0.2%; 1 homozygote.

Submissions (2):

Fulgent Genetics
Classification: Benign for Multiple endocrine neoplasia type 4. Last evaluated: 2021-12-23. Review status: criteria provided, single submitter. Criteria: ACMG Guidelines, 2015. Collection method: clinical testing. Allele origin: unknown.

Illumina Laboratory Services, Illumina
Classification: Benign for Multiple endocrine neoplasia type 4. Last evaluated: 2018-01-13. Review status: criteria provided, single submitter. Criteria: ICSL Variant Classification Criteria 13 December 2019. Collection method: clinical testing. Allele origin: germline.
Comment: This variant was observed in the ICSL laboratory as part of a predisposition screen in an ostensibly healthy population. It had not been previously curated by ICSL or reported in the Human Gene Mutation Database (HGMD: prior to June 1st, 2018), and was therefore a candidate for classification through an automated scoring system. Utilizing variant allele frequency, disease prevalence and penetrance estimates, and inheritance mode, an automated score was calculated to assess if this variant is too frequent to cause the disease. Based on the score and internal cut-off values, a variant classified as benign is not then subjected to further curation. The score for this variant resulted in a classification of benign for this disease.